The following is an entry in ClinVar:

ClinVar aggregate classification (germline): Likely benign. Review status: criteria provided, multiple submitters, no conflicts (2 of 4 stars). 3 submissions from 3 submitters: Likely benign (3). Last evaluated 2025-08-23.

Conditions:
PDE6C-related disorder. Also called: PDE6C-related condition.

Allele frequency attached by ClinVar (database versions not stated): TOPMed 0.00006; ESP Exome Variant Server 0.00008; gnomAD 0.00008 and 0.00011; 1000 Genomes Project 30x 0.00047; 1000 Genomes Project 0.00060.
gnomAD v4.1: 112 of 1,612,100 alleles (0.0069%); highest among the groups gnomAD compares: South Asian, 0.071%; 1 homozygote.

Submissions (3):

PreventionGenetics, part of Exact Sciences
Classification: Likely benign for PDE6C-related condition. Last evaluated: 2025-08-23. Review status: criteria provided, single submitter. Criteria: ACMG Guidelines, 2015. Collection method: clinical testing. Allele origin: germline.
Comment: This variant is classified as likely benign based on ACMG/AMP sequence variant interpretation guidelines (Richards et al. 2015 PMID: 25741868, with internal and published modifications).

Labcorp Genetics (formerly Invitae), Labcorp
Classification: Likely benign. Last evaluated: 2025-05-04. Review status: criteria provided, single submitter. Criteria: Invitae Variant Classification Sherloc (09022015). Collection method: clinical testing. Allele origin: germline.

Blueprint Genetics
Classification: Likely benign. Last evaluated: 2022-04-06. Review status: criteria provided, single submitter. Criteria: ACMG Guidelines, 2015. Collection method: clinical testing. Allele origin: germline.

NM_006204.4(PDE6C):c.1770C>T (p.Leu590=)

Gene: PDE6C (phosphodiesterase 6C; plus strand). Cytogenetic location: 10q23.33.
Variant type: single nucleotide variant.
Coding change: c.1770C>T on transcript NM_006204.4 (MANE Select); coding-DNA position 1770, C replaced by T.
Protein change: p.Leu590=; no amino-acid change (leucine 590 retained).
Molecular consequence: synonymous variant.
Genome position (GRCh38, 1-based): chr10:93,640,952, C>T. VCF-style: chr10-93640952-C-T. GRCh37 (hg19) VCF-style: chr10-95400709-C-T.
Other names: c.1770C>T (NM_006204.3).
Identifiers: ClinVar variation 1118823 (VCV001118823.11), dbSNP rs147097341, ClinGen allele CA5610294.